The following is an entry in ClinVar:

ClinVar aggregate classification (germline): Conflicting classifications of pathogenicity. Review status: criteria provided, conflicting classifications (1 of 4 stars). 6 submissions from 6 submitters: Uncertain significance (1); Benign (2); Likely benign (3). Last evaluated 2026-01-12.

Conditions:
ATL1-related disorder. Also called: ATL1-related condition.
Inborn genetic diseases. Identifiers: MedGen C0950123, MeSH D030342.
Hereditary spastic paraplegia 3A (SPG3A). Also called: SPASTIC PARAPLEGIA 3, AUTOSOMAL DOMINANT; FAMILIAL SPASTIC PARAPLEGIA, AUTOSOMAL DOMINANT, 1; SPG3; STRUMPELL DISEASE; Spastic Paraplegia 3A; Spastic paraplegia 3A, autosomal dominant. Identifiers: Orphanet 100984, MedGen C2931355, MONDO:0008437, OMIM 182600.

Allele frequency attached by ClinVar (database versions not stated): TOPMed 0.00090; ESP Exome Variant Server 0.00092; 1000 Genomes Project 0.00140; 1000 Genomes Project 30x 0.00156; gnomAD exomes 0.00008 and 0.00014; ExAC 0.00018; gnomAD 0.00058 and 0.00060.
gnomAD v4.1: 218 of 1,614,190 alleles (0.014%); highest among the groups gnomAD compares: African/African-American, 0.23%; no homozygotes.

Submissions (6):

Labcorp Genetics (formerly Invitae), Labcorp
Classification: Benign for Hereditary spastic paraplegia 3A. Last evaluated: 2026-01-12. Review status: criteria provided, single submitter. Criteria: Invitae Variant Classification Sherloc (09022015). Collection method: clinical testing. Allele origin: germline.

PreventionGenetics, part of Exact Sciences
Classification: Likely benign for ATL1-related condition. Last evaluated: 2025-09-30. Review status: criteria provided, single submitter. Criteria: ACMG Guidelines, 2015. Collection method: clinical testing. Allele origin: germline.
Comment: This variant is classified as likely benign based on ACMG/AMP sequence variant interpretation guidelines (Richards et al. 2015 PMID: 25741868, with internal and published modifications).

Mayo Clinic Laboratories, Mayo Clinic
Classification: Benign. Last evaluated: 2023-06-27. Review status: criteria provided, single submitter. Criteria: ACMG Guidelines, 2015. Collection method: clinical testing. Allele origin: germline. Observed: 4 variant alleles.
Comment: BS1, BS2, BP4, BP7

GeneDx
Classification: Likely benign. Last evaluated: 2020-07-29. Review status: criteria provided, single submitter. Criteria: GeneDx Variant Classification Process June 2021. Collection method: clinical testing. Allele origin: germline. Affected: yes.

Ambry Genetics
Classification: Likely benign for Inborn genetic diseases. Last evaluated: 2019-07-11. Review status: criteria provided, single submitter. Criteria: Ambry Variant Classification Scheme 2023. Collection method: clinical testing. Allele origin: germline.

Eurofins Ntd Llc (ga)
Classification: Uncertain significance. Last evaluated: 2015-04-02. Review status: criteria provided, single submitter. Criteria: EGL Classification Definitions 2015. Collection method: clinical testing. Allele origin: germline. Observed: 1 variant allele, 1 heterozygote.

NM_015915.5(ATL1):c.1200G>A (p.Lys400=)

Gene: ATL1 (atlastin GTPase 1; plus strand). Cytogenetic location: 14q22.1.
Variant type: single nucleotide variant.
Coding change: c.1200G>A on transcript NM_015915.5 (MANE Select); coding-DNA position 1200, G replaced by A.
Protein change: p.Lys400=; no amino-acid change (lysine 400 retained).
Molecular consequence: synonymous variant.
Genome position (GRCh38, 1-based): chr14:50,628,111, G>A. VCF-style: chr14-50628111-G-A. GRCh37 (hg19) VCF-style: chr14-51094829-G-A.
Other names: p.Lys400=; c.1200G>A, p.Lys400= (NM_001127713.1, NM_181598.4).
Identifiers: ClinVar variation 194097 (VCV000194097.23), dbSNP rs144792471, ClinGen allele CA239909.